The following is an entry in ClinVar:

NM_001385012.1(NBEA):c.8353C>T (p.Pro2785Ser)

Gene: NBEA (neurobeachin; plus strand). Cytogenetic location: 13q13.3.
Variant type: single nucleotide variant.
Coding change: c.8353C>T on transcript NM_001385012.1 (MANE Select); coding-DNA position 8353, C replaced by T.
Protein change: p.Pro2785Ser; replaces proline 2785 with serine.
Molecular consequence: missense variant.
Genome position (GRCh38, 1-based): chr13:35,655,740, C>T. VCF-style: chr13-35655740-C-T. GRCh37 (hg19) VCF-style: chr13-36229877-C-T.
Other names: c.1669C>T, p.Pro557Ser (NM_001204197.3); c.8344C>T, p.Pro2782Ser (NM_001379245.1); c.8290C>T, p.Pro2764Ser (NM_015678.5); short protein forms P2764S, P2782S, P2785S, P557S.
Identifiers: ClinVar variation 1695637 (VCV001695637.2), dbSNP rs2153082076, ClinGen allele CA387841642.
Genomic context (GRCh38, chr13:35,655,740, plus strand): 5'-CGAGATGCCACCCTGCTGCTCTGGTACTGGAGTGGGCGGCACCATATCATAGGAGACAAC[C>T]CTAACAGCAGTGAGTGTTTGTATCAAATTTGTCCTATCAAACTATAGTTTATTTAAATAT-3'
Protein context (NP_001371941.1, residues 2775-2795): SGRHHIIGDN[Pro2785Ser]NSSDYPAPRA

ClinVar aggregate classification (germline): Uncertain significance (1 of 4 stars; one submission).

Submission:

GeneDx
Classification: Uncertain significance. Last evaluated: 2022-01-06. Review status: criteria provided, single submitter. Criteria: GeneDx Variant Classification Process June 2021. Collection method: clinical testing. Allele origin: germline. Affected: yes.
Comment: Not observed at significant frequency in large population cohorts (gnomAD); In silico analysis supports that this missense variant has a deleterious effect on protein structure/function; Has not been previously published as pathogenic or benign to our knowledge